The following is an entry in ClinVar:

ClinVar aggregate classification (germline): Benign. Review status: criteria provided, multiple submitters, no conflicts (2 of 4 stars). 2 submissions from 2 submitters: Benign (2). Last evaluated 2018-01-13.

Conditions:
Congenital myasthenic syndrome 12 (CMS12). Also called: MYASTHENIC SYNDROME, CONGENITAL, WITH TUBULAR AGGREGATES 1; Myasthenia, congenital, 12, with tubular aggregates. Identifiers: Orphanet 353327, Orphanet 590, MedGen C3552335, MONDO:0012518, OMIM 610542.

Allele frequency attached by ClinVar (database versions not stated): 1000 Genomes Project 0.63838; 1000 Genomes Project 30x 0.64491; gnomAD 0.64590 and 0.65232; TOPMed 0.65188.

Submissions (2):

Illumina Laboratory Services, Illumina
Classification: Benign for Congenital myasthenic syndrome 12. Last evaluated: 2018-01-13. Review status: criteria provided, single submitter. Criteria: ICSL Variant Classification Criteria 13 December 2019. Collection method: clinical testing. Allele origin: germline.
Comment: This variant was observed in the ICSL laboratory as part of a predisposition screen in an ostensibly healthy population. It had not been previously curated by ICSL or reported in the Human Gene Mutation Database (HGMD: prior to June 1st, 2018), and was therefore a candidate for classification through an automated scoring system. Utilizing variant allele frequency, disease prevalence and penetrance estimates, and inheritance mode, an automated score was calculated to assess if this variant is too frequent to cause the disease. Based on the score and internal cut-off values, a variant classified as benign is not then subjected to further curation. The score for this variant resulted in a classification of benign for this disease.

Breakthrough Genomics
Classification: Benign. Review status: criteria provided, single submitter. Criteria: ACMG Guidelines, 2015. Collection method: not provided. Allele origin: germline. Inheritance: Autosomal recessive inheritance. Affected: yes.

NM_001244710.2(GFPT1):c.*2669C>T

Gene: GFPT1 (glutamine--fructose-6-phosphate transaminase 1; minus strand). Cytogenetic location: 2p13.3.
Variant type: single nucleotide variant.
Coding change: c.*2669C>T on transcript NM_001244710.2 (MANE Select); 2669 bases downstream of the stop codon, C replaced by T.
Molecular consequence: 3 prime UTR variant.
Genome position (GRCh38, 1-based): chr2:69,323,520, G>A on the plus strand (C>T on the coding strand, the complement: GFPT1 is on the minus strand). VCF-style: chr2-69323520-G-A. GRCh37 (hg19) VCF-style: chr2-69550652-G-A.
Other names: c.*2669C>T (NM_002056.4).
Identifiers: ClinVar variation 336829 (VCV000336829.6), dbSNP rs10185336, ClinGen allele CA10615993.
Genomic context (GRCh38, chr2:69,323,520, plus strand): 5'-TGGGATAGAGAGTAAGAAGACAGGAGAGAGAGGAGAAACCATGTTTTTTGTTTTGAGTCA[G>A]GAGGGTCTCACTCTGTCACTCAAGCTGAAGCACAGTGGCACAATCACAGCTCACTGCAGC-3'